The following is an entry in ClinVar:

NM_178009.5(DGKH):c.623-3_623-2insTTTTTTTTTTTTTTTTTTTTTTTTTT

Gene: DGKH (diacylglycerol kinase eta; plus strand). Cytogenetic location: 13q14.11.
Variant type: Insertion.
Coding change: c.623-3_623-2insTTTTTTTTTTTTTTTTTTTTTTTTTT on transcript NM_178009.5 (MANE Select); 3 bases into the intron before coding-DNA position 623 through the canonical splice acceptor site of the intron before coding-DNA position 623, TTTTTTTTTTTTTTTTTTTTTTTTTT inserted.
Molecular consequence: intron variant.
Genome position: GRCh38 VCF-style: chr13-42159244-C-CTTTTTTTTTTTTTTTTTTTTTTTTTT. GRCh37 (hg19) VCF-style: chr13-42733380-C-CTTTTTTTTTTTTTTTTTTTTTTTTTT.
Other names: c.623-3_623-2insTTTTTTTTTTTTTTTTTTTTTTTTTT (NM_001204504.3, NM_152910.6); c.215-3_215-2insTTTTTTTTTTTTTTTTTTTTTTTTTT (NM_001204505.3, NM_001204506.3); c.120+3464_120+3465insTTTTTTTTTTTTTTTTTTTTTTTTTT (NM_001297429.2).
Identifiers: ClinVar variation 2643784 (VCV002643784.24), dbSNP rs57531279, ClinGen allele CA955364011.
Genomic context (GRCh38, chr13:42,159,244, plus strand): 5'-ATGCTGTGATTTCCTTTAATCATTGGTCCAAAATTTCTTGTCCACTTAAAAGCAGTTGCT[C>CTTTTTTTTTTTTTTTTTTTTTTTTTT]TTTTTTTTTTTTTTTTTTTAGTGTGTAAATTCAAGGCTCACAAAAGATGTGCAGTGAGAG-3'

ClinVar aggregate classification (germline): Likely benign (1 of 4 stars; one submission).

Submission:

CeGaT Center for Human Genetics Tuebingen
Classification: Likely benign. Last evaluated: 2022-12-01. Review status: criteria provided, single submitter. Criteria: CeGaT Center For Human Genetics Tuebingen Variant Classification Criteria Version 2. Collection method: clinical testing. Allele origin: germline. Affected: yes. Observed: 1 variant allele.
Comment: DGKH: BS2